The following is an entry in ClinVar:

ClinVar aggregate classification (germline): Uncertain significance (1 of 4 stars; one submission).

Submission:

GeneDx
Classification: Uncertain significance. Last evaluated: 2025-02-04. Review status: criteria provided, single submitter. Criteria: GeneDx Variant Classification Process June 2021. Collection method: clinical testing. Allele origin: germline. Affected: yes.
Comment: In-frame duplication of 1 amino acid in a non-repeat region; Has not been previously published as pathogenic or benign to our knowledge; In silico analysis is inconclusive as to whether the variant alters gene splicing. In the absence of RNA/functional studies, the actual effect of this sequence change is unknown.

NM_000095.3(COMP):c.1114GAC[4] (p.Asp374_Ile375insAsp)

Gene: COMP (cartilage oligomeric matrix protein; minus strand). Cytogenetic location: 19p13.11.
Variant type: Microsatellite.
Coding change: c.1114GAC[4] on transcript NM_000095.3 (MANE Select); four copies in a row of the 3-base unit GAC starting at c.1114; the reference has three copies in a row; one copy, 3 bases duplicated.
Protein change: p.Asp374_Ile375insAsp.
Genome position (GRCh38, 1-based): chr19:18,787,504-18,787,506, GTC duplicated on the plus strand (GAC on the coding strand, the reverse complement: COMP is on the minus strand); duplicating any 3 consecutive bases within chr19:18,787,504-18,787,513 gives the same sequence; the position shown is the placement nearest the transcript's 3' end. VCF-style (leftmost placement, unchanged base first): chr19-18787503-T-TGTC. GRCh37 (hg19) VCF-style: chr19-18898312-T-TGTC.
Identifiers: ClinVar variation 4072807 (VCV004072807.1).
Genomic context (GRCh38, chr19:18,787,503, plus strand): 5'-TTCGGTGCCCGCCGCCTCTCCTCGCCCCCCAACCCCCATCGAGCTCACGGTCGCCGTCGA[T>TGTC]GTCGTCGTCGCACGCATCGCCCCGGCCGTCCTGGTCTGTGTCCTTTTGGTCGTCGTTCTT-3'